The following is an entry in ClinVar:

ClinVar aggregate classification (germline): Likely pathogenic (1 of 4 stars; one submission).

Conditions:
Neurodevelopmental disorder with dysmorphic facies, impaired speech, and hypotonia. Identifiers: MedGen C5436585, MONDO:0033562, OMIM 619005.

Submission:

Clinical Genomics Laboratory, Washington University in St. Louis
Classification: Likely pathogenic for Neurodevelopmental disorder with dysmorphic facies, impaired speech, and hypotonia. Last evaluated: 2024-06-07. Review status: criteria provided, single submitter. Criteria: ACMG Guidelines, 2015. Collection method: clinical testing. Allele origin: germline. Affected: yes.
Comment: The MADD c.62_62+3del variant, to our knowledge, has not been reported in the medical literature and is only observed on 1/1,613,848 alleles in the general population (gnomAD v.4.1.0), indicating it is not a common variant. This variant occurs within the canonical splice donor site, which is predicted to cause skipping of the exon, leading to a transcript lacking the start methionine; however, an in-frame methionine occurs in the subsequent exon that could produce a transcript lacking the initial 68 amino acids. Based on available information and the ACMG/AMP guidelines for variant interpretation (Richards S et al., PMID: 25741868), this variant is classified as likely pathogenic.

NM_001376571.1(MADD):c.62_62+3del

Gene: MADD (MAP kinase activating death domain; plus strand). Cytogenetic location: 11p11.2.
Variant type: Deletion.
Coding change: c.62_62+3del on transcript NM_001376571.1 (MANE Select); coding-DNA position 62 through 3 bases into the intron after coding-DNA position 62, 4 bases deleted (GGTA; older notation c.62_62+3delGGTA).
Molecular consequence: splice donor variant. On other transcripts: intron variant (13).
Genome position (GRCh38, 1-based): chr11:47,273,976-47,273,979, GGTA deleted; deleting any 4 consecutive bases within chr11:47,273,975-47,273,979 gives the same sequence; the c. name uses the placement nearest the transcript's 3' end. VCF-style (leftmost placement, unchanged base first): chr11-47273974-CAGGT-C. GRCh37 (hg19) VCF-style: chr11-47295525-CAGGT-C.
Other names: c.62_62+3del (NM_001376651.1, NM_130470.3, NM_001376641.1 and 80 more transcripts); c.-142-587_-142-584del (NM_001376648.1, NM_001376620.1, NM_001376626.1 and 9 more transcripts); c.-7-1923_-7-1920del (NM_001376663.1).
Identifiers: ClinVar variation 3600518 (VCV003600518.1).